The following is an entry in ClinVar:

ClinVar aggregate classification (germline): Benign. Review status: criteria provided, multiple submitters, no conflicts (2 of 4 stars). 3 submissions from 3 submitters: Benign (3). Last evaluated 2018-01-12.

Conditions:
Premature ovarian failure 5 (POF5). Identifiers: MedGen C1969060, MONDO:0012689, OMIM 611548.

Allele frequency attached by ClinVar (database versions not stated): 1000 Genomes Project 0.01717; 1000 Genomes Project 30x 0.01811; ExAC 0.02763; TOPMed 0.02942; gnomAD 0.02994 and 0.03031; gnomAD exomes 0.03036 and 0.03954; ESP Exome Variant Server 0.03548.
gnomAD v4.1: 59,297 of 1,537,224 alleles (3.9%); highest among the groups gnomAD compares: Middle Eastern, 6.6%; 1,291 homozygotes.

Submissions (3):

Illumina Laboratory Services, Illumina
Classification: Benign for Premature ovarian failure 5. Last evaluated: 2018-01-12. Review status: criteria provided, single submitter. Criteria: ICSL Variant Classification Criteria 13 December 2019. Collection method: clinical testing. Allele origin: germline.
Comment: This variant was observed in the ICSL laboratory as part of a predisposition screen in an ostensibly healthy population. It had not been previously curated by ICSL or reported in the Human Gene Mutation Database (HGMD: prior to June 1st, 2018), and was therefore a candidate for classification through an automated scoring system. Utilizing variant allele frequency, disease prevalence and penetrance estimates, and inheritance mode, an automated score was calculated to assess if this variant is too frequent to cause the disease. Based on the score and internal cut-off values, a variant classified as benign is not then subjected to further curation. The score for this variant resulted in a classification of benign for this disease.

GeneDx
Classification: Benign. Last evaluated: 2016-01-12. Review status: criteria provided, single submitter. Criteria: GeneDx Variant Classification (06012015). Collection method: clinical testing. Allele origin: germline. Affected: yes.
Comment: This variant is considered likely benign or benign based on one or more of the following criteria: it is a conservative change, it occurs at a poorly conserved position in the protein, it is predicted to be benign by multiple in silico algorithms, and/or has population frequency not consistent with disease.

Breakthrough Genomics
Classification: Benign. Review status: criteria provided, single submitter. Criteria: ACMG Guidelines, 2015. Collection method: not provided. Allele origin: germline. Inheritance: Autosomal dominant inheritance. Affected: yes.

NM_001436401.1(NOBOX):c.1640A>G (p.Lys547Arg)

Gene: NOBOX (NOBOX oogenesis homeobox; minus strand). Cytogenetic location: 7q35.
Variant type: single nucleotide variant.
Coding change: c.1640A>G on transcript NM_001436401.1 (MANE Select); coding-DNA position 1640, A replaced by G.
Protein change: p.Lys547Arg; replaces lysine 547 with arginine.
Molecular consequence: missense variant.
Genome position (GRCh38, 1-based): chr7:144,397,325, T>C on the plus strand (A>G on the coding strand, the complement: NOBOX is on the minus strand). VCF-style: chr7-144397325-T-C. GRCh37 (hg19) VCF-style: chr7-144094418-T-C.
Other names: NM_001080413.3:c.1991A>G; c.1088A>G, p.Lys363Arg (NM_001436402.1); short protein forms K363R, K547R.
Identifiers: ClinVar variation 359131 (VCV000359131.6), dbSNP rs77802098, ClinGen allele CA4544489.